The following is an entry in ClinVar:

ClinVar aggregate classification (germline): Conflicting classifications of pathogenicity. Review status: criteria provided, conflicting classifications (1 of 4 stars). 2 submissions from 2 submitters: Uncertain significance (1); Likely benign (1). Last evaluated 2025-07-14.

Conditions:
Inborn genetic diseases. Identifiers: MedGen C0950123, MeSH D030342.

Allele frequency attached by ClinVar (database versions not stated): gnomAD exomes 0.00001; ExAC 0.00002; gnomAD 0.00004 and 0.00005; TOPMed 0.00010.
gnomAD v4.1: 16 of 1,614,144 alleles (0.00099%); highest among the groups gnomAD compares: African/African-American, 0.017%; no homozygotes.

Submissions (2):

Ambry Genetics
Classification: Likely benign for Inborn genetic diseases. Last evaluated: 2025-07-14. Review status: criteria provided, single submitter. Criteria: Ambry Variant Classification Scheme 2023. Collection method: clinical testing. Allele origin: germline.

Labcorp Genetics (formerly Invitae), Labcorp
Classification: Uncertain significance. Last evaluated: 2025-03-10. Review status: criteria provided, single submitter. Criteria: Invitae Variant Classification Sherloc (09022015). Collection method: clinical testing. Allele origin: germline.
Comment: This sequence change replaces threonine, which is neutral and polar, with isoleucine, which is neutral and non-polar, at codon 1160 of the RP1 protein (p.Thr1160Ile). This variant is present in population databases (rs377034289, gnomAD 0.02%). This missense change has been observed in individual(s) with clinical features of RP1-related conditions (internal data). ClinVar contains an entry for this variant (Variation ID: 844016). An algorithm developed to predict the effect of missense changes on protein structure and function outputs the following: PolyPhen-2: "Benign". The isoleucine amino acid residue is found in multiple mammalian species, which suggests that this missense change does not adversely affect protein function. In summary, the available evidence is currently insufficient to determine the role of this variant in disease. Therefore, it has been classified as a Variant of Uncertain Significance.

NM_006269.2(RP1):c.3479C>T (p.Thr1160Ile)

Gene: RP1 (RP1 axonemal microtubule associated; plus strand). Cytogenetic location: 8q12.1.
Variant type: single nucleotide variant.
Coding change: c.3479C>T on transcript NM_006269.2 (MANE Select); coding-DNA position 3479, C replaced by T.
Protein change: p.Thr1160Ile; replaces threonine 1160 with isoleucine.
Molecular consequence: missense variant. On other transcripts: intron variant (1).
Genome position (GRCh38, 1-based): chr8:54,627,361, C>T. VCF-style: chr8-54627361-C-T. GRCh37 (hg19) VCF-style: chr8-55539921-C-T.
Other names: c.787+5073C>T (NM_001375654.1); short protein forms T1160I.
Identifiers: ClinVar variation 844016 (VCV000844016.10), dbSNP rs377034289, ClinGen allele CA4751694.